The following is an entry in ClinVar:

ClinVar aggregate classification (germline): Uncertain significance (1 of 4 stars; one submission).

Conditions:
Methylcobalamin deficiency type cblG (HMAG). Also called: HOMOCYSTINURIA-MEGALOBLASTIC ANEMIA, cblG COMPLEMENTATION TYPE; HOMOCYSTINURIA-MEGALOBLASTIC ANEMIA, cblG TYPE; Functional methionine synthase deficiency type cblG; HOMOCYSTINURIA-MEGALOBLASTIC ANEMIA DUE TO DEFECT IN COBALAMIN METABOLISM, cblG COMPLEMENTATION TYPE. Identifiers: Orphanet 2170, Orphanet 622, MedGen C1855128, MONDO:0009609, OMIM 250940.

Submission:

Labcorp Genetics (formerly Invitae), Labcorp
Classification: Uncertain significance for Methylcobalamin deficiency type cblG. Last evaluated: 2022-01-14. Review status: criteria provided, single submitter. Criteria: Invitae Variant Classification Sherloc (09022015). Collection method: clinical testing. Allele origin: germline.
Comment: In summary, the available evidence is currently insufficient to determine the role of this variant in disease. Therefore, it has been classified as a Variant of Uncertain Significance. Algorithms developed to predict the effect of missense changes on protein structure and function output the following: SIFT: "Deleterious"; PolyPhen-2: "Benign"; Align-GVGD: "Class C0". The aspartic acid amino acid residue is found in multiple mammalian species, which suggests that this missense change does not adversely affect protein function. This variant has not been reported in the literature in individuals affected with MTR-related conditions. This variant is not present in population databases (gnomAD no frequency). This sequence change replaces glutamic acid, which is acidic and polar, with aspartic acid, which is acidic and polar, at codon 21 of the MTR protein (p.Glu21Asp).

NM_000254.3(MTR):c.63G>C (p.Glu21Asp)

Gene: MTR (5-methyltetrahydrofolate-homocysteine methyltransferase; plus strand). Cytogenetic location: 1q43.
Variant type: single nucleotide variant.
Coding change: c.63G>C on transcript NM_000254.3 (MANE Select); coding-DNA position 63, G replaced by C.
Protein change: p.Glu21Asp; replaces glutamic acid 21 with aspartic acid.
Molecular consequence: missense variant. On other transcripts: 5 prime UTR variant (1).
Genome position (GRCh38, 1-based): chr1:236,803,456, G>C. VCF-style: chr1-236803456-G-C. GRCh37 (hg19) VCF-style: chr1-236966756-G-C.
Other names: c.63G>C, p.Glu21Asp (NM_001291939.1, NM_001410942.1); c.-1046G>C (NM_001291940.2); short protein forms E21D.
Identifiers: ClinVar variation 2049453 (VCV002049453.4), dbSNP rs2527810034, ClinGen allele CA345379415.
Genomic context (GRCh38, chr1:236,803,456, plus strand): 5'-TCTTTGAAGTCAAACTTTCACTTTCTTTAAAGAAGGTCTGAAGAAAACCCTGCGGGATGA[G>C]ATCAATGCCATTCTGCAGAAGAGGATTATGGTGCTGGATGGAGGGATGGGGACCATGATC-3'
Protein context (NP_000245.2, residues 11-31): PEGLKKTLRD[Glu21Asp]INAILQKRIM